The following is an entry in ClinVar:

ClinVar aggregate classification (germline): Likely pathogenic. Review status: criteria provided, multiple submitters, no conflicts (2 of 4 stars). 3 submissions from 3 submitters: Likely pathogenic (2). 1 of the submissions does not count toward it. Last evaluated 2025-07-09.

Conditions:
Bryant-Li-Bhoj neurodevelopmental syndrome 1 (BRYLIB1). Identifiers: MedGen C5676905, MONDO:0030606, OMIM 619720.
H3-3A-related disorder. Also called: H3-3A-related condition.
Inborn genetic diseases. Identifiers: MedGen C0950123, MeSH D030342.

Submissions (3):

3billion
Classification: Likely pathogenic for Bryant-Li-Bhoj neurodevelopmental syndrome 1. Last evaluated: 2025-07-09. Review status: criteria provided, single submitter. Criteria: ACMG Guidelines, 2015. Collection method: clinical testing. Allele origin: germline. Affected: yes.
Comment: The variant is not observed in the gnomAD v4.1.0 dataset. Predicted Consequence/Location: Missense variant. Missense changes are a common disease-causing mechanism. In silico tool predictions suggest damaging effect of the variant on gene or gene product [REVEL: 0.67 (>=0.6, sensitivity 0.68 and specificity 0.92); 3Cnet: 0.82 (> 0.75, sensitivity 0.96 and precision 0.92)]. The same nucleotide change resulting in the same amino acid change has been previously reported to be associated with H3-3A-related disorder (ClinVar ID: VCV000985323 /PMID: 28135719). The variant has been previously reported as de novo in a similarly affected individual (PMID: 28135719, 33268356). Therefore, this variant is classified as Likely pathogenic according to the recommendation of ACMG/AMP guideline.

Ambry Genetics
Classification: Likely pathogenic for Inborn genetic diseases. Last evaluated: 2018-03-07. Review status: criteria provided, single submitter. Criteria: Ambry exome assertion method (8-5-2015). Collection method: clinical testing. Allele origin: germline. Affected: yes. Observed: 1 variant allele.

PreventionGenetics, part of Exact Sciences
Classification: Uncertain significance for H3-3A-related condition. Last evaluated: 2024-08-28. Review status: no assertion criteria provided. Collection method: clinical testing. Allele origin: germline. Not counted in ClinVar's aggregate classification.
Comment: The H3-3A c.244G>C variant is predicted to result in the amino acid substitution p.Asp82His. This variant was reported as heterozygous in several individuals with developmental disorder (McRae et al. 2017. PubMed ID: 28135719, Table S1; Turner et al. 2019. PubMed ID: 31785789, Table S2; Bryant et al. 2020. PubMed ID: 33268356, Table S1). This variant has not been reported in a large population database, indicating this variant is rare. Although we suspect that this variant may be pathogenic, at this time, the clinical significance of this variant is uncertain due to the absence of conclusive functional and genetic evidence.

Literature cited by the submitters: PubMed 28135719 (cited by 3billion); PubMed 33268356 (cited by 3billion).

NM_002107.7(H3-3A):c.244G>C (p.Asp82His)

Gene: H3-3A (H3.3 histone A; plus strand). Cytogenetic location: 1q42.12.
Variant type: single nucleotide variant.
Coding change: c.244G>C on transcript NM_002107.7 (MANE Select); coding-DNA position 244, G replaced by C.
Protein change: p.Asp82His; replaces aspartic acid 82 with histidine.
Molecular consequence: missense variant.
Genome position (GRCh38, 1-based): chr1:226,065,771, G>C. VCF-style: chr1-226065771-G-C. GRCh37 (hg19) VCF-style: chr1-226253472-G-C.
Other names: c.244G>C, p.Asp82His (NM_001379043.1, NM_001379045.1, NM_001379046.1 and 1 more transcripts); short protein forms D82H.
Identifiers: ClinVar variation 985323 (VCV000985323.6), dbSNP rs1657903750, ClinGen allele CA345017424.
Genomic context (GRCh38, chr1:226,065,771, plus strand): 5'-CTGATTCGCAAACTTCCCTTCCAGCGTCTGGTGCGAGAAATTGCTCAGGACTTTAAAACA[G>C]ATCTGCGCTTCCAGAGCGCAGCTATCGGTGCTTTGCAGGTAAAATGGTGGGTGGGAAGAC-3'
Protein context (NP_002098.1, residues 72-92): VREIAQDFKT[Asp82His]LRFQSAAIGA